The following is an entry in ClinVar:

NM_173660.5(DOK7):c.638G>T (p.Arg213Leu)

Gene: DOK7 (docking protein 7; plus strand). Cytogenetic location: 4p16.3.
Variant type: single nucleotide variant.
Coding change: c.638G>T on transcript NM_173660.5 (MANE Select); coding-DNA position 638, G replaced by T.
Protein change: p.Arg213Leu; replaces arginine 213 with leucine.
Molecular consequence: missense variant. On other transcripts: synonymous variant (1), 5 prime UTR variant (1).
Genome position (GRCh38, 1-based): chr4:3,485,644, G>T. VCF-style: chr4-3485644-G-T. GRCh37 (hg19) VCF-style: chr4-3487371-G-T.
Other names: c.627G>T, p.Ala209= (NM_001164673.2); c.-293G>T (NM_001256896.2); c.638G>T, p.Arg213Leu (NM_001301071.2); c.206G>T, p.Arg69Leu (NM_001363811.2); short protein forms R213L, R69L.
Identifiers: ClinVar variation 582791 (VCV000582791.9), dbSNP rs371408752, ClinGen allele CA356115122.
Genomic context (GRCh38, chr4:3,485,644, plus strand): 5'-GCTTCCTGTTCGACTGCATCGTCCGAGGCATCTCCCCCACCAAGGGCCCCTTTGGGCTGC[G>T]GCCGGTTCTACCAGGTGCGTGTGGGAGCCTGGCCGGCCGGGGAGGGTGCGCTCGGCAGGC-3'
Protein context (NP_775931.3, residues 203-223): ISPTKGPFGL[Arg213Leu]PVLPDPSPPG

ClinVar aggregate classification (germline): Uncertain significance (1 of 4 stars; one submission).

Conditions:
Congenital myasthenic syndrome 10. Also called: Myasthenia, limb-girdle, familial. Identifiers: Orphanet 590, MedGen C1850792, MONDO:0009690, OMIM 254300.
Fetal akinesia deformation sequence 1 (FADS1). Also called: Pena-Shokeir syndrome type I; Fetal akinesia sequence. Identifiers: Orphanet 994, MedGen C1276035, MONDO:0100101, OMIM 208150, HP:0001989.

Submission:

Labcorp Genetics (formerly Invitae), Labcorp
Classification: Uncertain significance for Congenital myasthenic syndrome 10; Fetal akinesia deformation sequence 1. Last evaluated: 2018-04-02. Review status: criteria provided, single submitter. Criteria: Invitae Variant Classification Sherloc (09022015). Collection method: clinical testing. Allele origin: germline.
Comment: In summary, the available evidence is currently insufficient to determine the role of this variant in disease. Therefore, it has been classified as a Variant of Uncertain Significance. This sequence change replaces arginine with leucine at codon 213 of the DOK7 protein (p.Arg213Leu). The arginine residue is highly conserved and there is a moderate physicochemical difference between arginine and leucine. This variant is not present in population databases (ExAC no frequency). This variant has not been reported in the literature in individuals with DOK7-related disease. Algorithms developed to predict the effect of missense changes on protein structure and function do not agree on the potential impact of this missense change (SIFT: "Deleterious"; PolyPhen-2: "Possibly Damaging"; Align-GVGD: "Class C0").